The following is an entry in ClinVar:

ClinVar aggregate classification (germline): Conflicting classifications of pathogenicity. Review status: criteria provided, conflicting classifications (1 of 4 stars). 11 submissions from 9 submitters: Uncertain significance (6); Benign (1); Likely benign (1). 3 of the submissions do not count toward it. Last evaluated 2026-05-06.

Conditions:
MYO7A-related disorder. Also called: MYO7A-related disorders.
Autosomal recessive nonsyndromic hearing loss 2. Also called: NEUROSENSORY NONSYNDROMIC RECESSIVE DEAFNESS 2; DEAFNESS, AUTOSOMAL RECESSIVE 2. Identifiers: Orphanet 90636, MedGen C1838701, MONDO:0010807, OMIM 600060.
Autosomal dominant nonsyndromic hearing loss 11. Identifiers: Orphanet 90635, MedGen C1832475, MONDO:0011032, OMIM 601317.
Usher syndrome type 1 (USH1). Also called: RETINITIS PIGMENTOSA AND CONGENITAL DEAFNESS. Identifiers: Orphanet 231169, Orphanet 886, MedGen C1568247, MONDO:0010168, OMIM 276900.

Allele frequency attached by ClinVar (database versions not stated): ExAC 0.00023; gnomAD exomes 0.00023 and 0.00026; ESP Exome Variant Server 0.00040; TOPMed 0.00045; gnomAD 0.00047 and 0.00048; 1000 Genomes Project 0.00060; 1000 Genomes Project 30x 0.00094.
gnomAD v4.1: 454 of 1,613,978 alleles (0.028%); highest among the groups gnomAD compares: African/African-American, 0.11%; no homozygotes.

Submissions (11):

PreventionGenetics, part of Exact Sciences
Classification: Uncertain significance for MYO7A-related condition. Last evaluated: 2026-05-06. Review status: criteria provided, single submitter. Criteria: ACMG Guidelines, 2015. Collection method: clinical testing. Allele origin: germline.
Comment: The MYO7A c.676G>A variant is predicted to result in the amino acid substitution p.Ala226Thr. To our knowledge, this variant has not been reported in the literature. This variant is reported in 0.11% of alleles in individuals of African descent in gnomAD. Although we suspect that this variant may be benign, at this time, the clinical significance of this variant is uncertain due to the absence of conclusive functional and genetic evidence.

Labcorp Genetics (formerly Invitae), Labcorp
Classification: Likely benign. Last evaluated: 2026-01-24. Review status: criteria provided, single submitter. Criteria: Invitae Variant Classification Sherloc (09022015). Collection method: clinical testing. Allele origin: germline.

GeneDx
Classification: Uncertain significance. Last evaluated: 2025-10-24. Review status: criteria provided, single submitter. Criteria: GeneDx Variant Classification Process June 2021. Collection method: clinical testing. Allele origin: germline. Affected: yes.
Comment: Has not been previously reported in a peer-reviewed journal as pathogenic or benign to our knowledge; however, it was reported in an abstract as observed in the heterozygous state in an individual with normal hearing (PMID: 11028187); In silico analysis suggests that this missense variant does not alter protein structure/function; This variant is associated with the following publications: (PMID: 12786748, 11028187)

Blueprint Genetics
Classification: Uncertain significance. Last evaluated: 2024-09-23. Review status: criteria provided, single submitter. Criteria: ACMG Guidelines, 2015. Collection method: clinical testing. Allele origin: germline.

Illumina Laboratory Services, Illumina
Classification: Uncertain significance for Usher syndrome type 1. Last evaluated: 2018-02-09. Review status: criteria provided, single submitter. Criteria: ICSL Variant Classification Criteria 13 December 2019. Collection method: clinical testing. Allele origin: germline.

Illumina Laboratory Services, Illumina
Classification: Uncertain significance for Autosomal recessive nonsyndromic hearing loss 2. Last evaluated: 2018-02-09. Review status: criteria provided, single submitter. Criteria: ICSL Variant Classification Criteria 13 December 2019. Collection method: clinical testing. Allele origin: germline.

Illumina Laboratory Services, Illumina
Classification: Benign for Autosomal dominant nonsyndromic hearing loss 11. Last evaluated: 2018-02-08. Review status: criteria provided, single submitter. Criteria: ICSL Variant Classification Criteria 13 December 2019. Collection method: clinical testing. Allele origin: germline.
Comment: This variant was observed in the ICSL laboratory as part of a predisposition screen in an ostensibly healthy population. It had not been previously curated by ICSL or reported in the Human Gene Mutation Database (HGMD: prior to June 1st, 2018), and was therefore a candidate for classification through an automated scoring system. Utilizing variant allele frequency, disease prevalence and penetrance estimates, and inheritance mode, an automated score was calculated to assess if this variant is too frequent to cause the disease. Based on the score and internal cut-off values, a variant classified as benign is not then subjected to further curation. The score for this variant resulted in a classification of benign for this disease.

Eurofins Ntd Llc (ga)
Classification: Uncertain significance. Last evaluated: 2016-09-21. Review status: criteria provided, single submitter. Criteria: EGL Classification Definitions 2015. Collection method: clinical testing. Allele origin: germline. Observed: 1 variant allele, 1 heterozygote.

Clinical Genetics DNA and cytogenetics Diagnostics Lab, Erasmus MC, Erasmus Medical Center
Classification: Uncertain significance. Review status: no assertion criteria provided. Collection method: clinical testing. Allele origin: germline. Affected: yes. Study: VKGL Data-share Consensus. Not counted in ClinVar's aggregate classification.

Clinical Genetics, Academic Medical Center
Classification: Uncertain significance. Review status: no assertion criteria provided. Collection method: clinical testing. Allele origin: germline. Affected: yes. Study: VKGL Data-share Consensus. Not counted in ClinVar's aggregate classification.

Diagnostic Laboratory, Department of Genetics, University Medical Center Groningen
Classification: Uncertain significance. Review status: no assertion criteria provided. Collection method: clinical testing. Allele origin: germline. Affected: yes. Study: VKGL Data-share Consensus. Not counted in ClinVar's aggregate classification.

NM_000260.4(MYO7A):c.676G>A (p.Ala226Thr)

Gene: MYO7A (myosin VIIA; plus strand). Cytogenetic location: 11q13.5.
Variant type: single nucleotide variant.
Coding change: c.676G>A on transcript NM_000260.4 (MANE Select); coding-DNA position 676, G replaced by A.
Protein change: p.Ala226Thr; replaces alanine 226 with threonine.
Molecular consequence: missense variant.
Genome position (GRCh38, 1-based): chr11:77,156,945, G>A. VCF-style: chr11-77156945-G-A. GRCh37 (hg19) VCF-style: chr11-76867991-G-A.
Other names: c.676G>A, p.Ala226Thr (NM_001127180.2); c.643G>A, p.Ala215Thr (NM_001369365.1); short protein forms A226T, A215T.
Identifiers: ClinVar variation 291005 (VCV000291005.33), dbSNP rs201753022, ClinGen allele CA6197213.